The following is an entry in ClinVar:

ClinVar aggregate classification (germline): Uncertain significance (1 of 4 stars; one submission).

Conditions:
Cardiovascular phenotype. Identifiers: MedGen CN230736.

Allele frequency attached by ClinVar (database versions not stated): gnomAD exomes 0.00001.
gnomAD v4.1: 3 of 1,612,958 alleles (0.00019%); highest among the groups gnomAD compares: South Asian, 0.0011%; no homozygotes.

Submission:

Ambry Genetics
Classification: Uncertain significance for Cardiovascular phenotype. Last evaluated: 2019-12-10. Review status: criteria provided, single submitter. Criteria: Ambry Variant Classification Scheme 2023. Collection method: clinical testing. Allele origin: germline.
Comment: The p.G17456E variant (also known as c.52367G>A), located in coding exon 153 of the TTN gene, results from a G to A substitution at nucleotide position 52367. The glycine at codon 17456 is replaced by glutamic acid, an amino acid with similar properties. This amino acid position is highly conserved in available vertebrate species. In addition, the in silico prediction for this alteration is inconclusive. Since supporting evidence is limited at this time, the clinical significance of this alteration remains unclear.

NM_001267550.2(TTN):c.79562G>A (p.Gly26521Glu)

Genes: TTN (titin; minus strand), TTN-AS1 (TTN antisense RNA 1; plus strand). Cytogenetic location: 2q31.2.
Variant type: single nucleotide variant.
Coding change: c.79562G>A on transcript NM_001267550.2 (MANE Select); coding-DNA position 79562, G replaced by A.
Protein change: p.Gly26521Glu; replaces glycine 26521 with glutamic acid.
Molecular consequence: missense variant.
Genome position (GRCh38, 1-based): chr2:178,566,570, C>T on the plus strand (G>A on the coding strand, the complement: TTN is on the minus strand). VCF-style: chr2-178566570-C-T. GRCh37 (hg19) VCF-style: chr2-179431297-C-T.
Other names: c.74639G>A, p.Gly24880Glu (NM_001256850.1); c.52367G>A, p.Gly17456Glu (NM_003319.4); c.71858G>A, p.Gly23953Glu (NM_133378.4); c.52742G>A, p.Gly17581Glu (NM_133432.3); c.52943G>A, p.Gly17648Glu (NM_133437.4); short protein forms G17456E, G23953E, G24880E, G17581E, G17648E, G26521E.
Identifiers: ClinVar variation 1746253 (VCV001746253.2), dbSNP rs2468290951, ClinGen allele CA349596105.